The following is an entry in ClinVar:

ClinVar aggregate classification (germline): Uncertain significance. Review status: criteria provided, multiple submitters, no conflicts (2 of 4 stars). 3 submissions from 3 submitters: Uncertain significance (3). Last evaluated 2023-12-21.

Conditions:
Spinocerebellar ataxia type 42. Identifiers: Orphanet 458803, MedGen C4225205, MONDO:0014776, OMIM 616795.

Allele frequency attached by ClinVar (database versions not stated): gnomAD exomes 0.00001; ExAC 0.00002; TOPMed 0.00002; gnomAD 0.00003; 1000 Genomes Project 30x 0.00016; 1000 Genomes Project 0.00020.

Submissions (3):

Institute of Medical Genetics and Applied Genomics, University Hospital Tübingen
Classification: Uncertain significance for Spinocerebellar ataxia type 42. Last evaluated: 2023-12-21. Review status: criteria provided, single submitter. Criteria: ACMG Guidelines, 2015. Collection method: clinical testing. Allele origin: germline. Inheritance: Autosomal dominant inheritance. Affected: yes.

Labcorp Genetics (formerly Invitae), Labcorp
Classification: Uncertain significance. Last evaluated: 2022-06-01. Review status: criteria provided, single submitter. Criteria: Invitae Variant Classification Sherloc (09022015). Collection method: clinical testing. Allele origin: germline.
Comment: In summary, the available evidence is currently insufficient to determine the role of this variant in disease. Therefore, it has been classified as a Variant of Uncertain Significance. Advanced modeling of protein sequence and biophysical properties (such as structural, functional, and spatial information, amino acid conservation, physicochemical variation, residue mobility, and thermodynamic stability) performed at Invitae indicates that this missense variant is not expected to disrupt CACNA1G protein function. This variant has not been reported in the literature in individuals affected with CACNA1G-related conditions. This variant is present in population databases (rs562004080, gnomAD 0.007%). This sequence change replaces alanine, which is neutral and non-polar, with threonine, which is neutral and polar, at codon 774 of the CACNA1G protein (p.Ala774Thr).

GeneDx
Classification: Uncertain significance. Last evaluated: 2022-03-07. Review status: criteria provided, single submitter. Criteria: GeneDx Variant Classification Process June 2021. Collection method: clinical testing. Allele origin: germline. Affected: yes.
Comment: Has not been previously published as pathogenic or benign to our knowledge; In silico analysis supports that this missense variant has a deleterious effect on protein structure/function

NM_018896.5(CACNA1G):c.2320G>A (p.Ala774Thr)

Gene: CACNA1G (calcium voltage-gated channel subunit alpha1 G; plus strand). Cytogenetic location: 17q21.33.
Variant type: single nucleotide variant.
Coding change: c.2320G>A on transcript NM_018896.5 (MANE Select); coding-DNA position 2320, G replaced by A.
Protein change: p.Ala774Thr; replaces alanine 774 with threonine.
Molecular consequence: missense variant. On other transcripts: non-coding transcript variant (5).
Genome position (GRCh38, 1-based): chr17:50,590,489, G>A. VCF-style: chr17-50590489-G-A. GRCh37 (hg19) VCF-style: chr17-48667850-G-A.
Other names: c.2320G>A, p.Ala774Thr (NM_001256324.2, NM_001256325.2, NM_001256326.2 and 24 more transcripts); short protein forms A774T.
Identifiers: ClinVar variation 1704933 (VCV001704933.8), dbSNP rs562004080, ClinGen allele CA8652391.